The following is an entry in ClinVar:

ClinVar aggregate classification (germline): Uncertain significance. Review status: criteria provided, multiple submitters, no conflicts (2 of 4 stars). 2 submissions from 2 submitters: Uncertain significance (2). Last evaluated 2026-01-09.

Conditions:
Inborn genetic diseases. Identifiers: MedGen C0950123, MeSH D030342.

Allele frequency attached by ClinVar (database versions not stated): 1000 Genomes Project 30x 0.00016; 1000 Genomes Project 0.00020; ExAC 0.00022; TOPMed 0.00022; gnomAD exomes 0.00024; gnomAD 0.00025; ESP Exome Variant Server 0.00031.
gnomAD v4.1: 395 of 1,611,758 alleles (0.025%); highest among the groups gnomAD compares: Middle Eastern, 0.083%; 3 homozygotes.

Submissions (2):

Labcorp Genetics (formerly Invitae), Labcorp
Classification: Uncertain significance. Last evaluated: 2026-01-09. Review status: criteria provided, single submitter. Criteria: Invitae Variant Classification Sherloc (09022015). Collection method: clinical testing. Allele origin: germline.
Comment: This sequence change replaces aspartic acid, which is acidic and polar, with histidine, which is basic and polar, at codon 741 of the EXPH5 protein (p.Asp741His). This variant is present in population databases (rs146857158, gnomAD 0.1%). This variant has not been reported in the literature in individuals affected with EXPH5-related conditions. ClinVar contains an entry for this variant (Variation ID: 2384308). An algorithm developed to predict the effect of missense changes on protein structure and function (PolyPhen-2) suggests that this variant is likely to be disruptive. In summary, the available evidence is currently insufficient to determine the role of this variant in disease. Therefore, it has been classified as a Variant of Uncertain Significance.

Ambry Genetics
Classification: Uncertain significance for Inborn genetic diseases. Last evaluated: 2022-08-31. Review status: criteria provided, single submitter. Criteria: Ambry Variant Classification Scheme 2023. Collection method: clinical testing. Allele origin: germline.

NM_015065.3(EXPH5):c.2221G>C (p.Asp741His)

Gene: EXPH5 (exophilin 5; minus strand). Cytogenetic location: 11q22.3.
Variant type: single nucleotide variant.
Coding change: c.2221G>C on transcript NM_015065.3 (MANE Select); coding-DNA position 2221, G replaced by C.
Protein change: p.Asp741His; replaces aspartic acid 741 with histidine.
Molecular consequence: missense variant.
Genome position (GRCh38, 1-based): chr11:108,513,286, C>G on the plus strand (G>C on the coding strand, the complement: EXPH5 is on the minus strand). VCF-style: chr11-108513286-C-G. GRCh37 (hg19) VCF-style: chr11-108384013-C-G.
Other names: c.1993G>C, p.Asp665His (NM_001144763.2); c.1753G>C, p.Asp585His (NM_001144764.2); c.1657G>C, p.Asp553His (NM_001144765.2); c.2200G>C, p.Asp734His (NM_001308019.2); short protein forms D553H, D734H, D741H, D585H, D665H.
Identifiers: ClinVar variation 2384308 (VCV002384308.3), dbSNP rs146857158, ClinGen allele CA6267908.